The following is an entry in ClinVar:

NM_000214.3(JAG1):c.572A>G (p.Tyr191Cys)

Gene: JAG1 (jagged canonical Notch ligand 1; minus strand). Cytogenetic location: 20p12.2.
Variant type: single nucleotide variant.
Coding change: c.572A>G on transcript NM_000214.3 (MANE Select); coding-DNA position 572, A replaced by G.
Protein change: p.Tyr191Cys; replaces tyrosine 191 with cysteine.
Molecular consequence: missense variant.
Genome position (GRCh38, 1-based): chr20:10,658,590, T>C on the plus strand (A>G on the coding strand, the complement: JAG1 is on the minus strand). VCF-style: chr20-10658590-T-C. GRCh37 (hg19) VCF-style: chr20-10639238-T-C.
Other names: short protein forms Y191C.
Identifiers: ClinVar variation 3573335 (VCV003573335.2).

Conditions:
Arteriohepatic dysplasia. Also called: Alagille Syndrome. Identifiers: Orphanet 52, MedGen C0085280, MeSH D016738, MONDO:0007318.

Submission:

Gilbert/Spinner Lab, Children's Hospital of Philadelphia
No classification provided (evidence only). Condition: Alagille syndrome. Review status: no classification provided. Collection method: research. Allele origin: not applicable. Functional consequence: functionally_abnormal.
ClinVar note: "not provided" was previously submitted as the classification for the variant. However, the classification appeared to be based only on an observation of functional data so it was converted to no classification on 2025-07-30.